The following is an entry in ClinVar:

NM_002485.5(NBN):c.1125-11T>G

Gene: NBN (nibrin; minus strand). Cytogenetic location: 8q21.3.
Variant type: single nucleotide variant.
Coding change: c.1125-11T>G on transcript NM_002485.5 (MANE Select); 11 bases into the intron before coding-DNA position 1125, T replaced by G.
Molecular consequence: intron variant.
Genome position (GRCh38, 1-based): chr8:89,955,566, A>C on the plus strand (T>G on the coding strand, the complement: NBN is on the minus strand). VCF-style: chr8-89955566-A-C. GRCh37 (hg19) VCF-style: chr8-90967794-A-C.
Other names: c.879-11T>G (NM_001024688.3).
Identifiers: ClinVar variation 1556848 (VCV001556848.8), dbSNP rs1373365760, ClinGen allele CA583843910.
Genomic context (GRCh38, chr8:89,955,566, plus strand): 5'-TTTGTTCCATTTTGGAGACTTTGATTTCTTTTGGCCTTTCACTCAAATCCCTGTAGAAAA[A>C]GAAAAGAATGCAAGGTAAATAATCAAGTTTACAGCAACTTTAATAGAGAAACAAAGATCG-3'

ClinVar aggregate classification (germline): Conflicting classifications of pathogenicity. Review status: criteria provided, conflicting classifications (1 of 4 stars). 2 submissions from 2 submitters: Uncertain significance (1); Likely benign (1). Last evaluated 2025-12-03.

Conditions:
Microcephaly, normal intelligence and immunodeficiency (NBS). Also called: IMMUNODEFICIENCY, MICROCEPHALY, AND CHROMOSOMAL INSTABILITY; Nijmegen breakage syndrome; Immunodeficiency, microcephaly with normal intelligence; SEEMANOVA SYNDROME II; Microcephaly with normal intelligence immunodeficiency and lymphoreticular malignancies; Nonsyndromal microcephaly autosomal recessive with normal intelligence. Identifiers: Orphanet 647, MedGen C0398791, MONDO:0009623, OMIM 251260.

Allele frequency attached by ClinVar (database versions not stated): gnomAD exomes below 0.00001 and 0.00002; TOPMed below 0.00001; gnomAD 0.00001.
gnomAD v4.1: 26 of 1,611,240 alleles (0.0016%); highest among the groups gnomAD compares: Non-Finnish European, 0.002%; no homozygotes.

Submissions (2):

Labcorp Genetics (formerly Invitae), Labcorp
Classification: Likely benign for Microcephaly, normal intelligence and immunodeficiency. Last evaluated: 2025-12-03. Review status: criteria provided, single submitter. Criteria: Invitae Variant Classification Sherloc (09022015). Collection method: clinical testing. Allele origin: germline.

GeneDx
Classification: Uncertain significance. Last evaluated: 2022-12-07. Review status: criteria provided, single submitter. Criteria: GeneDx Variant Classification Process June 2021. Collection method: clinical testing. Allele origin: germline. Affected: yes.
Comment: Not observed at significant frequency in large population cohorts (gnomAD); In silico analysis supports that this variant does not alter splicing; Has not been previously published as pathogenic or benign to our knowledge